The following is an entry in ClinVar:

Single allele

Genes: ENOSF1 (enolase superfamily member 1; minus strand), EPB41L3 (erythrocyte membrane protein band 4.1 like 3; minus strand), PTPRM (protein tyrosine phosphatase receptor type M; plus strand), RAB12 (RAB12, member RAS oncogene family; plus strand), TMEM200C (transmembrane protein 200C; minus strand) and 24 more. Cytogenetic location: 18p11.32-11.22.
Variant type: Duplication.
Identifiers: ClinVar variation 560039 (VCV000560039.3).

ClinVar aggregate classification (germline): Pathogenic (1 of 4 stars; one submission).

Submission:

Geisinger Autism and Developmental Medicine Institute, Geisinger Health System
Classification: Pathogenic. Last evaluated: 2018-04-05. Review status: criteria provided, single submitter. Criteria: ACMG CNV Guidelines, 2011. Collection method: provider interpretation. Allele origin: maternal.